The following is an entry in ClinVar:

ClinVar aggregate classification (germline): Pathogenic (1 of 4 stars; one submission).

Submission:

Labcorp Genetics (formerly Invitae), Labcorp
Classification: Pathogenic. Last evaluated: 2025-01-16. Review status: criteria provided, single submitter. Criteria: Invitae Variant Classification Sherloc (09022015). Collection method: clinical testing. Allele origin: germline.
Comment: This sequence change creates a premature translational stop signal (p.Tyr91*) in the FOXL2 gene. While this is not anticipated to result in nonsense mediated decay, it is expected to disrupt the last 286 amino acid(s) of the FOXL2 protein. This variant is not present in population databases (gnomAD no frequency). This premature translational stop signal has been observed in individual(s) with autosomal dominant blepharophimosis, ptosis, and epicanthus inversus syndrome (BPES) and/or primary ovarian insufficiency (PMID: 17968144, 33538981). It has also been observed to segregate with disease in related individuals. This variant disrupts a region of the FOXL2 protein in which other variant(s) (p.Pro307Hisfs*52) have been determined to be pathogenic (PMID: 11468277). This suggests that this is a clinically significant region of the protein, and that variants that disrupt it are likely to be disease-causing. For these reasons, this variant has been classified as Pathogenic.

Literature cited by the submitters: PubMed 17968144; PubMed 33538981; PubMed 11468277.

NM_023067.4(FOXL2):c.273C>A (p.Tyr91Ter)

Gene: FOXL2 (forkhead box L2; minus strand). Cytogenetic location: 3q22.3.
Variant type: single nucleotide variant.
Coding change: c.273C>A on transcript NM_023067.4 (MANE Select); coding-DNA position 273, C replaced by A.
Protein change: p.Tyr91Ter; replaces tyrosine 91 with a stop codon.
Molecular consequence: nonsense.
Genome position (GRCh38, 1-based): chr3:138,946,450, G>T on the plus strand (C>A on the coding strand, the complement: FOXL2 is on the minus strand). VCF-style: chr3-138946450-G-T. GRCh37 (hg19) VCF-style: chr3-138665292-G-T.
Other names: short protein forms Y91*.
Identifiers: ClinVar variation 3677028 (VCV003677028.2).